The following is an entry in ClinVar:

ClinVar aggregate classification (germline): Likely benign (1 of 4 stars; one submission).

Allele frequency attached by ClinVar (database versions not stated): gnomAD 0.00530 and 0.00575; gnomAD exomes 0.00070; 1000 Genomes Project 0.00479; 1000 Genomes Project 30x 0.00500; TOPMed 0.00611.
gnomAD v4.1: 1,207 of 705,664 alleles (0.17%); highest among the groups gnomAD compares: African/African-American, 1.9%; 9 homozygotes.

Submission:

GeneDx
Classification: Likely benign. Last evaluated: 2018-06-14. Review status: criteria provided, single submitter. Criteria: GeneDx Variant Classification (06012015). Collection method: clinical testing. Allele origin: germline. Affected: yes.
Comment: This variant is considered likely benign or benign based on one or more of the following criteria: it is a conservative change, it occurs at a poorly conserved position in the protein, it is predicted to be benign by multiple in silico algorithms, and/or has population frequency not consistent with disease.

NM_005670.4(EPM2A):c.476+151A>T

Gene: EPM2A (EPM2A glucan phosphatase, laforin; minus strand). Cytogenetic location: 6q24.3.
Variant type: single nucleotide variant.
Coding change: c.476+151A>T on transcript NM_005670.4 (MANE Select); 151 bases into the intron after coding-DNA position 476, A replaced by T.
Molecular consequence: intron variant.
Genome position (GRCh38, 1-based): chr6:145,685,971, T>A on the plus strand (A>T on the coding strand, the complement: EPM2A is on the minus strand). VCF-style: chr6-145685971-T-A. GRCh37 (hg19) VCF-style: chr6-146007107-T-A.
Other names: c.62+151A>T (NM_001360064.2, NM_001368131.1, NM_001360071.2); c.476+151A>T (NM_001360057.2, NM_001018041.2, NM_001368130.1); c.-148+151A>T (NM_001368129.2, NM_001368132.1).
Identifiers: ClinVar variation 677709 (VCV000677709.1), dbSNP rs9497394, ClinGen allele CA149189407.